The following is an entry in ClinVar:

NM_004380.3(CREBBP):c.4981A>G (p.Met1661Val)

Gene: CREBBP (CREB binding lysine acetyltransferase; minus strand). Cytogenetic location: 16p13.3.
Variant type: single nucleotide variant.
Coding change: c.4981A>G on transcript NM_004380.3 (MANE Select); coding-DNA position 4981, A replaced by G.
Protein change: p.Met1661Val; replaces methionine 1661 with valine.
Molecular consequence: missense variant.
Genome position (GRCh38, 1-based): chr16:3,731,383, T>C on the plus strand (A>G on the coding strand, the complement: CREBBP is on the minus strand). VCF-style: chr16-3731383-T-C. GRCh37 (hg19) VCF-style: chr16-3781384-T-C.
Other names: c.4867A>G, p.Met1623Val (NM_001079846.1); c.4981A>G (NM_004380.2); short protein forms M1623V, M1661V.
Identifiers: ClinVar variation 3663483 (VCV003663483.3).

ClinVar aggregate classification (germline): Uncertain significance. Review status: criteria provided, multiple submitters, no conflicts (2 of 4 stars). 2 submissions from 2 submitters: Uncertain significance (2). Last evaluated 2025-06-22.

Conditions:
CREBBP-related disorder. Also called: CREBBP-related condition; CREBBP-related disorders.
Rubinstein-Taybi syndrome (RSTS). Identifiers: Orphanet 783, MedGen C0035934, MONDO:0019188.

Submissions (2):

PreventionGenetics, part of Exact Sciences
Classification: Uncertain significance for CREBBP-related condition. Last evaluated: 2025-06-22. Review status: criteria provided, single submitter. Criteria: ACMG Guidelines, 2015. Collection method: clinical testing. Allele origin: germline.
Comment: The CREBBP c.4981A>G variant is predicted to result in the amino acid substitution p.Met1661Val. To our knowledge, this variant has not been reported in the literature or in a large population database (gnomAD), indicating this variant is rare. At this time, the clinical significance of this variant is uncertain due to the absence of conclusive functional and genetic evidence.

Labcorp Genetics (formerly Invitae), Labcorp
Classification: Uncertain significance for Rubinstein-Taybi syndrome. Last evaluated: 2024-08-27. Review status: criteria provided, single submitter. Criteria: Invitae Variant Classification Sherloc (09022015). Collection method: clinical testing. Allele origin: germline.
Comment: This sequence change replaces methionine, which is neutral and non-polar, with valine, which is neutral and non-polar, at codon 1661 of the CREBBP protein (p.Met1661Val). This variant is not present in population databases (gnomAD no frequency). This variant has not been reported in the literature in individuals affected with CREBBP-related conditions. Invitae Evidence Modeling of protein sequence and biophysical properties (such as structural, functional, and spatial information, amino acid conservation, physicochemical variation, residue mobility, and thermodynamic stability) indicates that this missense variant is expected to disrupt CREBBP protein function with a positive predictive value of 95%. In summary, the available evidence is currently insufficient to determine the role of this variant in disease. Therefore, it has been classified as a Variant of Uncertain Significance.